The following is an entry in ClinVar:

ClinVar aggregate classification (germline): Uncertain significance (1 of 4 stars; one submission).

Conditions:
Hereditary cancer-predisposing syndrome. Also called: Tumor predisposition; Neoplastic Syndromes, Hereditary; Hereditary neoplastic syndrome; Hereditary Cancer Syndrome. Identifiers: Orphanet 140162, MedGen C0027672, MeSH D009386, MONDO:0015356.

Submission:

Ambry Genetics
Classification: Uncertain significance for Hereditary cancer-predisposing syndrome. Last evaluated: 2024-10-29. Review status: criteria provided, single submitter. Criteria: Ambry Variant Classification Scheme 2023. Collection method: clinical testing. Allele origin: germline.
Comment: The p.S31R variant (also known as c.93C>A), located in coding exon 1 of the SMARCA4 gene, results from a C to A substitution at nucleotide position 93. The serine at codon 31 is replaced by arginine, an amino acid with dissimilar properties. This amino acid position is conserved. In addition, the in silico prediction for this alteration is inconclusive. Based on the available evidence, the clinical significance of this variant remains unclear.

NM_003072.5(SMARCA4):c.93C>A (p.Ser31Arg)

Gene: SMARCA4 (SWI/SNF related BAF chromatin remodeling complex subunit ATPase 4; plus strand). Cytogenetic location: 19p13.2.
Variant type: single nucleotide variant.
Coding change: c.93C>A on transcript NM_003072.5 (MANE Select); coding-DNA position 93, C replaced by A.
Protein change: p.Ser31Arg; replaces serine 31 with arginine.
Molecular consequence: missense variant. On other transcripts: non-coding transcript variant (1).
Genome position (GRCh38, 1-based): chr19:10,984,244, C>A. VCF-style: chr19-10984244-C-A. GRCh37 (hg19) VCF-style: chr19-11094920-C-A.
Other names: c.93C>A, p.Ser31Arg (NM_001128844.3, NM_001128845.2, NM_001128846.2 and 6 more transcripts); short protein forms S31R.
Identifiers: ClinVar variation 3446021 (VCV003446021.1).